The following is an entry in ClinVar:

ClinVar aggregate classification (germline): Uncertain significance. Review status: criteria provided, multiple submitters, no conflicts (2 of 4 stars). 2 submissions from 2 submitters: Uncertain significance (2). Last evaluated 2025-10-29.

Conditions:
Desmin-related myofibrillar myopathy (MFM1). Also called: Desminopathy; Desmin related myopathy (former name); Desmin storage myopathy (former name); MYOFIBRILLAR MYOPATHY WITH ARRHYTHMOGENIC RIGHT VENTRICULAR CARDIOMYOPATHY; DESMIN-RELATED MYOPATHY WITH ARRHYTHMOGENIC RIGHT VENTRICULAR CARDIOMYOPATHY; Myofibrillar myopathy 1. Identifiers: Orphanet 363543, Orphanet 98909, MedGen C1832370, MONDO:0011076, OMIM 601419.
Cardiovascular phenotype. Identifiers: MedGen CN230736.

Allele frequency attached by ClinVar (database versions not stated): TOPMed below 0.00001; gnomAD 0.00001.
gnomAD v4.1: 4 of 1,543,276 alleles (0.00026%); highest among the groups gnomAD compares: African/African-American, 0.0055%; no homozygotes.

Submissions (2):

Labcorp Genetics (formerly Invitae), Labcorp
Classification: Uncertain significance for Desmin-related myofibrillar myopathy. Last evaluated: 2025-10-29. Review status: criteria provided, single submitter. Criteria: Invitae Variant Classification Sherloc (09022015). Collection method: clinical testing. Allele origin: germline.
Comment: This sequence change replaces leucine, which is neutral and non-polar, with arginine, which is basic and polar, at codon 187 of the DES protein (p.Leu187Arg). This variant is present in population databases (no rsID available, gnomAD 0.01%). This variant has not been reported in the literature in individuals affected with DES-related conditions. ClinVar contains an entry for this variant (Variation ID: 941872). Invitae Evidence Modeling of protein sequence and biophysical properties (such as structural, functional, and spatial information, amino acid conservation, physicochemical variation, residue mobility, and thermodynamic stability) has been performed for this missense variant. However, the output from this modeling did not meet the statistical confidence thresholds required to predict the impact of this variant on DES protein function. In summary, the available evidence is currently insufficient to determine the role of this variant in disease. Therefore, it has been classified as a Variant of Uncertain Significance.

Ambry Genetics
Classification: Uncertain significance for Cardiovascular phenotype. Last evaluated: 2023-12-14. Review status: criteria provided, single submitter. Criteria: Ambry Variant Classification Scheme 2023. Collection method: clinical testing. Allele origin: germline.
Comment: The p.L187R variant (also known as c.560T>G), located in coding exon 1 of the DES gene, results from a T to G substitution at nucleotide position 560. The leucine at codon 187 is replaced by arginine, an amino acid with dissimilar properties. This amino acid position is conserved. In addition, this alteration is predicted to be deleterious by in silico analysis. Since supporting evidence is limited at this time, the clinical significance of this alteration remains unclear.

NM_001927.4(DES):c.560T>G (p.Leu187Arg)

Gene: DES (desmin; plus strand). Cytogenetic location: 2q35.
Variant type: single nucleotide variant.
Coding change: c.560T>G on transcript NM_001927.4 (MANE Select); coding-DNA position 560, T replaced by G.
Protein change: p.Leu187Arg; replaces leucine 187 with arginine.
Molecular consequence: missense variant. On other transcripts: intron variant (1).
Genome position (GRCh38, 1-based): chr2:219,419,022, T>G. VCF-style: chr2-219419022-T-G. GRCh37 (hg19) VCF-style: chr2-220283744-T-G.
Other names: c.560T>G, p.Leu187Arg (NM_001382708.1, NM_001382709.1, NM_001382710.1 and 2 more transcripts); c.495+65T>G (NM_001382713.1); short protein forms L187R.
Identifiers: ClinVar variation 941872 (VCV000941872.11), dbSNP rs1248833348, ClinGen allele CA350687122.